The following is an entry in ClinVar:

NM_004204.5(PIGQ):c.1437C>T (p.Ala479=)

Gene: PIGQ (phosphatidylinositol glycan anchor biosynthesis class Q; plus strand). Cytogenetic location: 16p13.3.
Variant type: single nucleotide variant.
Coding change: c.1437C>T on transcript NM_004204.5 (MANE Select); coding-DNA position 1437, C replaced by T.
Protein change: p.Ala479=; no amino-acid change (alanine 479 retained).
Molecular consequence: synonymous variant.
Genome position (GRCh38, 1-based): chr16:580,878, C>T. VCF-style: chr16-580878-C-T. GRCh37 (hg19) VCF-style: chr16-630878-C-T.
Other names: c.1437C>T, p.Ala479= (NM_148920.4).
Identifiers: ClinVar variation 772592 (VCV000772592.25), dbSNP rs190457469, ClinGen allele CA7780296.

ClinVar aggregate classification (germline): Benign/Likely benign. Review status: criteria provided, multiple submitters, no conflicts (2 of 4 stars). 3 submissions from 3 submitters: Benign (1); Likely benign (2). Last evaluated 2026-01-07.

Conditions:
Epilepsy. Also called: Seizure disorder. Identifiers: MedGen C0014544, MeSH D004827, MONDO:0005027.

Allele frequency attached by ClinVar (database versions not stated): TOPMed 0.00026; 1000 Genomes Project 30x 0.00047; 1000 Genomes Project 0.00060.

Submissions (3):

Labcorp Genetics (formerly Invitae), Labcorp
Classification: Likely benign for Epilepsy. Last evaluated: 2026-01-07. Review status: criteria provided, single submitter. Criteria: Invitae Variant Classification Sherloc (09022015). Collection method: clinical testing. Allele origin: germline.

Laboratory of Genetics, Children's Clinical University Hospital Latvia
Classification: Benign. Last evaluated: 2025-02-16. Review status: criteria provided, single submitter. Criteria: ACMG Guidelines, 2015. Collection method: clinical testing. Allele origin: germline. Affected: yes.

CeGaT Center for Human Genetics Tuebingen
Classification: Likely benign. Last evaluated: 2025-01-01. Review status: criteria provided, single submitter. Criteria: CeGaT Center For Human Genetics Tuebingen Variant Classification Criteria Version 2. Collection method: clinical testing. Allele origin: germline. Affected: yes. Observed: 1 variant allele.
Comment: PIGQ: BP4, BP7